The following is an entry in ClinVar:

NM_000372.5(TYR):c.547G>T (p.Val183Leu)

Gene: TYR (tyrosinase; plus strand). Cytogenetic location: 11q14.3.
Variant type: single nucleotide variant.
Coding change: c.547G>T on transcript NM_000372.5 (MANE Select); coding-DNA position 547, G replaced by T.
Protein change: p.Val183Leu; replaces valine 183 with leucine.
Molecular consequence: missense variant.
Genome position (GRCh38, 1-based): chr11:89,178,500, G>T. VCF-style: chr11-89178500-G-T. GRCh37 (hg19) VCF-style: chr11-88911668-G-T.
Other names: short protein forms V183L.
Identifiers: ClinVar variation 4913504 (VCV004913504.2).
Genomic context (GRCh38, chr11:89,178,500, plus strand): 5'-TCAACACCCATGTTTAACGACATCAATATTTATGACCTCTTTGTCTGGATGCATTATTAT[G>T]TGTCAATGGATGCACTGCTTGGGGGATCTGAAATCTGGAGAGACATTGATTTTGCCCATG-3'
Protein context (NP_000363.1, residues 173-193): YDLFVWMHYY[Val183Leu]SMDALLGGSE

ClinVar aggregate classification (germline): Likely pathogenic. Review status: criteria provided, multiple submitters, no conflicts (2 of 4 stars). 2 submissions from 2 submitters: Likely pathogenic (2). Last evaluated 2026-06-03.

Conditions:
Oculocutaneous albinism type 1. Also called: Albinism 1; ALBINISM I. Identifiers: Orphanet 352731, MedGen C0268494, MONDO:0018135. Disease mechanism: loss of function.
TYR-related disorder. Also called: TYR-related condition.

gnomAD v4.1: 1 of 1,614,158 alleles (0.000062%); highest among the groups gnomAD compares: Non-Finnish European, 0.000085%; no homozygotes.

Submissions (2):

Myriad Genetics, Inc.
Classification: Likely pathogenic for Oculocutaneous albinism type 1. Last evaluated: 2026-06-03. Review status: criteria provided, single submitter. Criteria: Myriad Autosomal Dominant, Autosomal Recessive and X-Linked Classification Criteria (2023). Collection method: clinical testing. Allele origin: unknown.
Comment: NM_000372.4(TYR):c.547G>T(V183L) is a missense variant classified as likely pathogenic in the context of oculocutaneous albinism, TYR-related. V183L has been observed in cases with relevant disease (PMID: 29345414, 37327787, 38279271). Relevant functional assessments of this variant are not available in the literature. V183L has not been observed in referenced population frequency databases. In summary, NM_000372.4(TYR):c.547G>T(V183L) is a missense variant that has been observed more frequently in cases with the relevant disease than in healthy populations. Please note: this variant was assessed in the context of healthy population screening.

Blueprint Genetics
Classification: Likely pathogenic for TYR-related disorders. Last evaluated: 2024-11-14. Review status: criteria provided, single submitter. Criteria: ACMG Guidelines, 2015. Collection method: clinical testing. Allele origin: germline. Affected: yes. Observed: 2 variant alleles.

Literature cited by the submitters: PubMed 29345414 (cited by Myriad Genetics, Inc.); PubMed 37327787 (cited by Myriad Genetics, Inc.); PubMed 38279271 (cited by Myriad Genetics, Inc.).